The following is an entry in ClinVar:

ClinVar aggregate classification (germline): Uncertain significance (1 of 4 stars; one submission).

Conditions:
Noonan syndrome 5 (NS5). Also called: RAF1-Related Noonan Syndrome. Identifiers: Orphanet 648, MedGen C1969057, MONDO:0012690, OMIM 611553. Disease mechanism: gain of function.

gnomAD v4.1: 2 of 1,611,264 alleles (0.00012%); highest among the groups gnomAD compares: African/African-American, 0.0027%; no homozygotes.

Submission:

3billion
Classification: Uncertain significance for Noonan syndrome 5. Last evaluated: 2025-01-22. Review status: criteria provided, single submitter. Criteria: ACMG Guidelines, 2015. Collection method: clinical testing. Allele origin: germline. Affected: yes.
Comment: The variant is observed at an extremely low frequency in the gnomAD v4.1.0 dataset (total allele frequency: <0.001%). Predicted Consequence/Location: Missense variant. Missense changes are a common disease-causing mechanism. Damaging effect on gene or gene product predicted by in silico programs is uncertain [REVEL: 0.41 (damaging >=0.6, benign <0.4)]. A different missense change at the same codon (p.Pro332Ala) has been reported to be associated with RAF1-related disorder (PMID: 24777450). Therefore, this variant is classified as VUS according to the recommendation of ACMG/AMP guideline.

Literature cited by the submitters: PubMed 24777450.

NM_002880.4(RAF1):c.994C>A (p.Pro332Thr)

Gene: RAF1 (Raf-1 proto-oncogene, serine/threonine kinase; minus strand). Cytogenetic location: 3p25.2.
Variant type: single nucleotide variant.
Coding change: c.994C>A on transcript NM_002880.4 (MANE Select); coding-DNA position 994, C replaced by A.
Protein change: p.Pro332Thr; replaces proline 332 with threonine.
Molecular consequence: missense variant. On other transcripts: non-coding transcript variant (3).
Genome position (GRCh38, 1-based): chr3:12,599,805, G>T on the plus strand (C>A on the coding strand, the complement: RAF1 is on the minus strand). VCF-style: chr3-12599805-G-T. GRCh37 (hg19) VCF-style: chr3-12641304-G-T.
Other names: c.1054C>A, p.Pro352Thr (NM_001354689.3); c.994C>A, p.Pro332Thr (NM_001354690.3); c.751C>A, p.Pro251Thr (NM_001354691.3, NM_001354692.3); c.895C>A, p.Pro299Thr (NM_001354693.3); c.811C>A, p.Pro271Thr (NM_001354694.3); c.652C>A, p.Pro218Thr (NM_001354695.3); short protein forms P218T, P251T, P271T, P299T, P332T, P352T.
Identifiers: ClinVar variation 4292865 (VCV004292865.1).